The following is an entry in ClinVar:

ClinVar aggregate classification (germline): Uncertain significance. Review status: criteria provided, single submitter (1 of 4 stars). 2 submissions from 2 submitters: Uncertain significance (1). 1 of the submissions does not count toward it. Last evaluated 2025-02-04.

Conditions:
Perlman syndrome (PRLMNS). Identifiers: Orphanet 2849, MedGen C0796113, MONDO:0009965, OMIM 267000.

Allele frequency attached by ClinVar (database versions not stated): ExAC 0.00002; gnomAD exomes 0.00002 and 0.00003; gnomAD 0.00003; TOPMed 0.00003; ESP Exome Variant Server 0.00016.
gnomAD v4.1: 54 of 1,614,100 alleles (0.0033%); highest among the groups gnomAD compares: Non-Finnish European, 0.0044%; no homozygotes.

Submissions (2):

Labcorp Genetics (formerly Invitae), Labcorp
Classification: Uncertain significance for Perlman syndrome. Last evaluated: 2025-02-04. Review status: criteria provided, single submitter. Criteria: Invitae Variant Classification Sherloc (09022015). Collection method: clinical testing. Allele origin: germline.
Comment: This sequence change replaces serine, which is neutral and polar, with glycine, which is neutral and non-polar, at codon 522 of the DIS3L2 protein (p.Ser522Gly). This variant is present in population databases (rs199980393, gnomAD 0.003%). This variant has not been reported in the literature in individuals affected with DIS3L2-related conditions. ClinVar contains an entry for this variant (Variation ID: 567559). Invitae Evidence Modeling of protein sequence and biophysical properties (such as structural, functional, and spatial information, amino acid conservation, physicochemical variation, residue mobility, and thermodynamic stability) indicates that this missense variant is not expected to disrupt DIS3L2 protein function with a negative predictive value of 80%. In summary, the available evidence is currently insufficient to determine the role of this variant in disease. Therefore, it has been classified as a Variant of Uncertain Significance.

Department of Pathology and Laboratory Medicine, Sinai Health System
Classification: Uncertain significance. Review status: no assertion criteria provided. Collection method: clinical testing. Allele origin: unknown. Affected: yes. Study: The Canadian Open Genetics Repository (COGR). Not counted in ClinVar's aggregate classification.
Comment: The DIS3L2 p.Ser522Gly variant was not identified in the literature but was identified in dbSNP (ID: rs199980393) and ClinVar (classified as uncertain significance by Invitae). The variant was identified in control databases in 5 of 266288 chromosomes at a frequency of 0.00001878 (Genome Aggregation Database March 6, 2019, v2.1.1, non-cancer). The variant was observed in the European (non-Finnish) population in 5 of 117552 chromosomes (freq: 0.000043), but was not observed in the African, Latino, Ashkenazi Jewish, East Asian, European (Finnish), Other, or South Asian populations. The p.Ser522 residue is not conserved in mammals and computational analyses (PolyPhen-2, SIFT, AlignGVGD, BLOSUM, MutationTaster) do not suggest a high likelihood of impact to the protein; however, this information is not predictive enough to rule out pathogenicity. The variant occurs outside of the splicing consensus sequence and in silico or computational prediction software programs (SpliceSiteFinder, MaxEntScan, NNSPLICE, GeneSplicer) do not predict a difference in splicing. In summary, based on the above information the clinical significance of this variant cannot be determined with certainty at this time. This variant is classified as a variant of uncertain significance.

NM_152383.5(DIS3L2):c.1564A>G (p.Ser522Gly)

Gene: DIS3L2 (DIS3 like 3'-5' exoribonuclease 2; plus strand). Cytogenetic location: 2q37.1.
Variant type: single nucleotide variant.
Coding change: c.1564A>G on transcript NM_152383.5 (MANE Select); coding-DNA position 1564, A replaced by G.
Protein change: p.Ser522Gly; replaces serine 522 with glycine.
Molecular consequence: missense variant. On other transcripts: non-coding transcript variant (2).
Genome position (GRCh38, 1-based): chr2:232,263,345, A>G. VCF-style: chr2-232263345-A-G. GRCh37 (hg19) VCF-style: chr2-233128055-A-G.
Other names: c.1564A>G, p.Ser522Gly (NM_001257281.2); short protein forms S522G.
Identifiers: ClinVar variation 567559 (VCV000567559.8), dbSNP rs199980393, ClinGen allele CA2164190.